The following is an entry in ClinVar:

NM_004329.3(BMPR1A):c.67+1G>A

Gene: BMPR1A (bone morphogenetic protein receptor type 1A; plus strand). Cytogenetic location: 10q23.2.
Variant type: single nucleotide variant.
Coding change: c.67+1G>A on transcript NM_004329.3 (MANE Select); the canonical splice donor site of the intron after coding-DNA position 67, G replaced by A.
Molecular consequence: splice donor variant. On other transcripts: intron variant (4).
Genome position (GRCh38, 1-based): chr10:86,876,086, G>A. VCF-style: chr10-86876086-G-A. GRCh37 (hg19) VCF-style: chr10-88635843-G-A.
Other names: c.67+1G>A (NM_001406562.1, NM_001406568.1, NM_001406567.1 and 24 more transcripts); c.-17-13976G>A (NM_001406584.1, NM_001406587.1, NM_001406585.1); c.-13+1G>A (NM_001406588.1); c.-12-13981G>A (NM_001406586.1).
Identifiers: ClinVar variation 2851621 (VCV002851621.6), dbSNP rs1842918323, ClinGen allele CA377774878.
Genomic context (GRCh38, chr10:86,876,086, plus strand): 5'-AGCTATACATTTACATCAGATTATTGGGAGCCTATTTGTTCATCATTTCTCGTGTTCAAG[G>A]TAAATCAGTGTTCATTTTAGTAATGTATGTGTGTATATAAAAAGCACTATTTCTTGCTTC-3'

ClinVar aggregate classification (germline): Pathogenic/Likely pathogenic. Review status: criteria provided, multiple submitters, no conflicts (2 of 4 stars). 4 submissions from 4 submitters: Pathogenic (1); Likely pathogenic (3). Last evaluated 2026-03-20.

Conditions:
Polyposis syndrome, hereditary mixed, 2. Identifiers: Orphanet 157794, MedGen C1864730, MONDO:0012405, OMIM 610069.
Hereditary cancer-predisposing syndrome. Also called: Neoplastic Syndromes, Hereditary; Tumor predisposition; Hereditary neoplastic syndrome; Hereditary Cancer Syndrome. Identifiers: Orphanet 140162, MedGen C0027672, MeSH D009386, MONDO:0015356.
Juvenile polyposis syndrome (JPS). Identifiers: Orphanet 2929, MedGen C0345893, MONDO:0017380, OMIM 174900.

Allele frequency attached by ClinVar (database versions not stated): TOPMed 0.00001.

Submissions (4):

Myriad Genetics, Inc.
Classification: Likely pathogenic for Juvenile polyposis syndrome. Last evaluated: 2026-03-20. Review status: criteria provided, single submitter. Criteria: Myriad Autosomal Dominant, Autosomal Recessive and X-Linked Classification Criteria (2023). Collection method: clinical testing. Allele origin: unknown.
Comment: This variant is considered likely pathogenic. This variant occurs within a consensus splice junction and is predicted to result in abnormal mRNA splicing of either an out-of-frame exon or an in-frame exon necessary for protein stability and/or normal function.

Ambry Genetics
Classification: Likely pathogenic for Hereditary cancer-predisposing syndrome. Last evaluated: 2025-08-20. Review status: criteria provided, single submitter. Criteria: Ambry Variant Classification Scheme 2023. Collection method: clinical testing. Allele origin: germline.
Comment: The c.67+1G>A intronic variant results from a G to A substitution one nucleotide after coding exon 1 of the BMPR1A gene. This nucleotide position is highly conserved in available vertebrate species. In silico splice site analysis predicts that this alteration will weaken the native splice donor site; however, direct evidence is insufficient at this time (Ambry internal data). This variant is considered to be rare based on population cohorts in the Genome Aggregation Database (gnomAD). Alterations that disrupt the canonical splice site are expected to cause aberrant splicing, resulting in an abnormal protein or a transcript that is subject to nonsense-mediated mRNA decay. As such, this alteration is classified as likely pathogenic.

Baylor Genetics
Classification: Likely pathogenic for Polyposis syndrome, hereditary mixed, 2. Last evaluated: 2024-01-03. Review status: criteria provided, single submitter. Criteria: ACMG Guidelines, 2015. Collection method: clinical testing. Allele origin: unknown.

Labcorp Genetics (formerly Invitae), Labcorp
Classification: Pathogenic for Juvenile polyposis syndrome. Last evaluated: 2023-08-16. Review status: criteria provided, single submitter. Criteria: Invitae Variant Classification Sherloc (09022015). Collection method: clinical testing. Allele origin: germline.
Comment: This variant has not been reported in the literature in individuals affected with BMPR1A-related conditions. This variant is not present in population databases (gnomAD no frequency). This sequence change affects a donor splice site in intron 3 of the BMPR1A gene. RNA analysis indicates that disruption of this splice site induces altered splicing and is likely to result in the loss of the initiator methionine. Studies have shown that disruption of this splice site results in skipping of part of exon 3, and is expected to result in the loss of the initiator methionine (Invitae). For these reasons, this variant has been classified as Pathogenic. Other variant(s) that result in initiator codon loss have been determined to be pathogenic (Invitae). This suggests that this variant may also be clinically significant and likely to be disease-causing.